The following is an entry in ClinVar:

NM_002691.4(POLD1):c.2010C>G (p.Ala670=)

Gene: POLD1 (DNA polymerase delta 1, catalytic subunit; plus strand). Cytogenetic location: 19q13.33.
Variant type: single nucleotide variant.
Coding change: c.2010C>G on transcript NM_002691.4 (MANE Select); coding-DNA position 2010, C replaced by G.
Protein change: p.Ala670=; no amino-acid change (alanine 670 retained).
Molecular consequence: synonymous variant. On other transcripts: non-coding transcript variant (1).
Genome position (GRCh38, 1-based): chr19:50,409,522, C>G. VCF-style: chr19-50409522-C-G. GRCh37 (hg19) VCF-style: chr19-50912779-C-G.
Other names: c.2010C>G, p.Ala670= (NM_001256849.1); c.2088C>G, p.Ala696= (NM_001308632.1); c.2010C>G (NM_002691.2).
Identifiers: ClinVar variation 537163 (VCV000537163.21), dbSNP rs1390351117, ClinGen allele CA508185597.
Genomic context (GRCh38, chr19:50,409,522, plus strand): 5'-AGCCCTGACCAATGCCCAGGTGCCGCCTGAGTGTGCTTTCCCCGTGTTCCCTCGCAGGGC[C>G]AAGGCCGAGCTGGCCAAGGAGACAGACCCCCTCCGGCGCCAGGTCCTGGATGGACGGCAG-3'
Protein context (NP_002682.2, residues 660-680): LENLLSARKR[Ala670=]KAELAKETDP

ClinVar aggregate classification (germline): Conflicting classifications of pathogenicity. Review status: criteria provided, conflicting classifications (1 of 4 stars). 4 submissions from 4 submitters: Uncertain significance (1); Likely benign (3). Last evaluated 2025-04-20.

Conditions:
POLD1-related polyposis and colorectal cancer syndrome (CRCS10). Also called: Colorectal cancer 10; COLORECTAL CANCER, SUSCEPTIBILITY TO, ON CHROMOSOME 19q; Colorectal cancer, susceptibility to, 10. Identifiers: Orphanet 220460, MedGen C2675481, MONDO:0012953, OMIM 612591.
Hereditary cancer-predisposing syndrome. Also called: Tumor predisposition; Neoplastic Syndromes, Hereditary; Hereditary Cancer Syndrome; Hereditary neoplastic syndrome. Identifiers: Orphanet 140162, MedGen C0027672, MeSH D009386, MONDO:0015356.

Allele frequency attached by ClinVar (database versions not stated): gnomAD exomes below 0.00001.
gnomAD v4.1: 5 of 1,613,570 alleles (0.00031%); highest among the groups gnomAD compares: Non-Finnish European, 0.00042%; no homozygotes.

Submissions (4):

Labcorp Genetics (formerly Invitae), Labcorp
Classification: Likely benign for POLD1-related polyposis and colorectal cancer syndrome. Last evaluated: 2025-04-20. Review status: criteria provided, single submitter. Criteria: Invitae Variant Classification Sherloc (09022015). Collection method: clinical testing. Allele origin: germline.

Center for Genomic Medicine, Rigshospitalet, Copenhagen University Hospital
Classification: Likely benign. Last evaluated: 2025-03-04. Review status: criteria provided, single submitter. Criteria: ACMG Guidelines, 2015. Collection method: clinical testing. Allele origin: germline.

GeneDx
Classification: Uncertain significance. Last evaluated: 2023-12-18. Review status: criteria provided, single submitter. Criteria: GeneDx Variant Classification Process June 2021. Collection method: clinical testing. Allele origin: germline. Affected: yes.
Comment: Not observed at significant frequency in large population cohorts (gnomAD); In silico analysis supports that this variant does not alter splicing; Has not been previously published as pathogenic or benign to our knowledge

Ambry Genetics
Classification: Likely benign for Hereditary cancer-predisposing syndrome. Last evaluated: 2018-12-31. Review status: criteria provided, single submitter. Criteria: Ambry Variant Classification Scheme 2023. Collection method: clinical testing. Allele origin: germline.